The following is an entry in ClinVar:

NM_000548.5(TSC2):c.1028C>T (p.Thr343Ile)

Gene: TSC2 (TSC complex subunit 2; plus strand). Cytogenetic location: 16p13.3.
Variant type: single nucleotide variant.
Coding change: c.1028C>T on transcript NM_000548.5 (MANE Select); coding-DNA position 1028, C replaced by T.
Protein change: p.Thr343Ile; replaces threonine 343 with isoleucine.
Molecular consequence: missense variant. On other transcripts: 5 prime UTR variant (10), non-coding transcript variant (5).
Genome position (GRCh38, 1-based): chr16:2,060,722, C>T. VCF-style: chr16-2060722-C-T. GRCh37 (hg19) VCF-style: chr16-2110723-C-T.
Other names: c.1028C>T, p.Thr343Ile (NM_001077183.3, NM_001114382.3, NM_001363528.2 and 6 more transcripts); c.917C>T, p.Thr306Ile (NM_001318827.2, NM_001406670.1, NM_001406678.1); c.881C>T, p.Thr294Ile (NM_001318829.2, NM_001406675.1, NM_001406676.1 and 1 more transcripts); c.428C>T, p.Thr143Ile (NM_001318831.2, NM_001406680.1, NM_001406682.1 and 6 more transcripts); c.1061C>T, p.Thr354Ile (NM_001318832.2); c.1118C>T, p.Thr373Ile (NM_001406667.1, NM_001406668.1); c.1016C>T, p.Thr339Ile (NM_001406671.1, NM_001406673.1); c.971C>T, p.Thr324Ile (NM_001406677.1); and 4 more; short protein forms T343I, T373I, T324I, T189I, T294I, T143I, T306I, T339I.
Identifiers: ClinVar variation 4556827 (VCV004556827.1).

ClinVar aggregate classification (germline): Uncertain significance (1 of 4 stars; one submission).

Conditions:
Hereditary cancer-predisposing syndrome. Also called: Tumor predisposition; Hereditary Cancer Syndrome; Hereditary neoplastic syndrome; Neoplastic Syndromes, Hereditary. Identifiers: Orphanet 140162, MedGen C0027672, MeSH D009386, MONDO:0015356.

gnomAD v4.1: 1 of 1,614,080 alleles (0.000062%); highest among the groups gnomAD compares: Non-Finnish European, 0.000085%; no homozygotes.

Submission:

Ambry Genetics
Classification: Uncertain significance for Hereditary cancer-predisposing syndrome. Last evaluated: 2025-10-02. Review status: criteria provided, single submitter. Criteria: Ambry Variant Classification Scheme 2023. Collection method: clinical testing. Allele origin: germline.
Comment: The p.T343I variant (also known as c.1028C>T), located in coding exon 10 of the TSC2 gene, results from a C to T substitution at nucleotide position 1028. The threonine at codon 343 is replaced by isoleucine, an amino acid with similar properties. This amino acid position is conserved. In addition, this alteration is predicted to be deleterious by in silico analysis. Based on the available evidence, the clinical significance of this variant remains unclear.